The following is an entry in ClinVar:

NC_000015.9:g.(?_44941054)_(44944474_?)del

Gene: SPG11 (SPG11 vesicle trafficking associated, spatacsin; minus strand). Cytogenetic location: 15q21.1.
Variant type: Deletion.
Identifiers: ClinVar variation 1074116 (VCV001074116.1).

ClinVar aggregate classification (germline): Pathogenic (1 of 4 stars; one submission).

Conditions:
Hereditary spastic paraplegia 11. Also called: SPASTIC PARAPLEGIA, AUTOSOMAL RECESSIVE, COMPLICATED, WITH THIN CORPUS CALLOSUM; SPASTIC PARAPLEGIA, AUTOSOMAL RECESSIVE, WITH MENTAL IMPAIRMENT AND THIN CORPUS CALLOSUM; Nakamura Osame syndrome; Autosomal recessive hereditary spastic paraplegia, mental impairment, and thin corpus callosum; Spastic paraplegia, mental retardation and thin corpus callosum; Spastic Paraplegia 11. Identifiers: Orphanet 2822, MedGen C1858479, MONDO:0011445, OMIM 604360.

Submission:

Labcorp Genetics (formerly Invitae), Labcorp
Classification: Pathogenic for Hereditary spastic paraplegia 11. Last evaluated: 2020-06-08. Review status: criteria provided, single submitter. Criteria: Invitae Variant Classification Sherloc (09022015). Collection method: clinical testing. Allele origin: germline.
Comment: This variant is an out-of-frame deletion of the genomic region encompassing exons 5-7 of the SPG11 gene. This is expected to create a premature translational stop signal and result in an absent or disrupted protein product. This variant has not been reported in the literature in individuals with SPG11-related conditions. Loss-of-function variants in SPG11 are known to be pathogenic (PMID: 19105190, 20110243, 22154821). For these reasons, this variant has been classified as Pathogenic.

Literature cited by the submitters: PubMed 19105190; PubMed 20110243; PubMed 22154821.